The following is an entry in ClinVar:

NM_001377.3(DYNC2H1):c.1469G>A (p.Arg490His)

Gene: DYNC2H1 (dynein cytoplasmic 2 heavy chain 1; plus strand). Cytogenetic location: 11q22.3.
Variant type: single nucleotide variant.
Coding change: c.1469G>A on transcript NM_001377.3 (MANE Select); coding-DNA position 1469, G replaced by A.
Protein change: p.Arg490His; replaces arginine 490 with histidine.
Molecular consequence: missense variant.
Genome position (GRCh38, 1-based): chr11:103,121,480, G>A. VCF-style: chr11-103121480-G-A. GRCh37 (hg19) VCF-style: chr11-102992209-G-A.
Other names: c.1469G>A, p.Arg490His (NM_001080463.2); short protein forms R490H.
Identifiers: ClinVar variation 993463 (VCV000993463.15), dbSNP rs201484896, ClinGen allele CA6252775.

ClinVar aggregate classification (germline): Conflicting classifications of pathogenicity. Review status: criteria provided, conflicting classifications (1 of 4 stars). 4 submissions from 4 submitters: Uncertain significance (2); Likely benign (2). Last evaluated 2026-01-19.

Conditions:
Jeune thoracic dystrophy. Also called: Jeune syndrome; Infantile thoracic dystrophy; Thoracic pelvic phalangeal dystrophy; Jeune's syndrome; Chondroectodermal dysplasia-like syndrome; Short-rib thoracic dysplasia. Identifiers: Orphanet 474, MedGen C0265275, MONDO:0018770.
Asphyxiating thoracic dystrophy 3. Also called: POLYDACTYLY WITH NEONATAL CHONDRODYSTROPHY, TYPE I; SHORT-RIB THORACIC DYSPLASIA 3/6 WITH POLYDACTYLY, DIGENIC; Short rib polydactyly syndrome 2B; SHORT-RIB THORACIC DYSPLASIA 3 WITH OR WITHOUT POLYDACTYLY; Saldino-Noonan Syndrome. Identifiers: Orphanet 474, Orphanet 93269, Orphanet 93270, Orphanet 93271, MedGen C0036069, MONDO:0013127, OMIM 613091.

Allele frequency attached by ClinVar (database versions not stated): gnomAD 0.00001 and 0.00004; TOPMed 0.00002; ExAC 0.00014; gnomAD exomes 0.00014; 1000 Genomes Project 30x 0.00016; 1000 Genomes Project 0.00020; ESP Exome Variant Server 0.00026.
gnomAD v4.1: 113 of 1,611,868 alleles (0.007%); highest among the groups gnomAD compares: South Asian, 0.055%; 4 homozygotes.

Submissions (4):

Labcorp Genetics (formerly Invitae), Labcorp
Classification: Likely benign for Jeune thoracic dystrophy. Last evaluated: 2026-01-19. Review status: criteria provided, single submitter. Criteria: Invitae Variant Classification Sherloc (09022015). Collection method: clinical testing. Allele origin: germline.

Blueprint Genetics
Classification: Likely benign. Last evaluated: 2024-11-25. Review status: criteria provided, single submitter. Criteria: ACMG Guidelines, 2015. Collection method: clinical testing. Allele origin: germline.

ARUP Laboratories, Molecular Genetics and Genomics, ARUP Laboratories
Classification: Uncertain significance for Asphyxiating thoracic dystrophy 3. Last evaluated: 2020-02-14. Review status: criteria provided, single submitter. Criteria: ARUP Molecular Germline Variant Investigation Process. Collection method: clinical testing. Allele origin: germline.
Comment: The DYNC2H1 c.1469G>A; p.Arg490His variant (rs201484896), to our knowledge, is not reported in the medical literature but is reported in the Leiden open variation database (see link). This variant is found in the general population with an overall allele frequency of 0.014% (34/248088 alleles, including a single homozygote) in the Genome Aggregation Database. The arginine at codon 490 is highly conserved, but computational analyses (SIFT, PolyPhen-2) predict that this variant is tolerated. Due to limited information, the clinical significance of the p.Arg490His variant is uncertain at this time. References: Link to Leiden open variation database

Genetic Services Laboratory, University of Chicago
Classification: Uncertain significance. Last evaluated: 2020-01-16. Review status: criteria provided, single submitter. Criteria: ACMG Guidelines, 2015. Collection method: clinical testing. Allele origin: germline. Affected: no.
Comment: DNA sequence analysis of the DYNC2H1 gene demonstrated a sequence change, c.1469G>A, in exon 10 that results in an amino acid change, p.Arg490His. This sequence change does not appear to have been previously described in patients with DYNC2H1-related disorders and has been described in the gnomAD database with a low population frequency of 0.014% (dbSNP rs201484896). The p.Arg490His change affects a highly conserved amino acid residue located in a domain of the DYNC2H1 protein that is known to be functional. In-silico pathogenicity prediction tools (SIFT, PolyPhen2, Align GVGD, REVEL) provide contradictory results for the p.Arg490His substitution. Due to these contrasting evidences and the lack of functional studies, the clinical significance of the p.Arg490His change remains unknown at this time.